The following is an entry in ClinVar:

NM_022367.4(SEMA4A):c.1423G>A (p.Ala475Thr)

Gene: SEMA4A (semaphorin 4A; plus strand). Cytogenetic location: 1q22.
Variant type: single nucleotide variant.
Coding change: c.1423G>A on transcript NM_022367.4 (MANE Select); coding-DNA position 1423, G replaced by A.
Protein change: p.Ala475Thr; replaces alanine 475 with threonine.
Molecular consequence: missense variant.
Genome position (GRCh38, 1-based): chr1:156,174,929, G>A. VCF-style: chr1-156174929-G-A. GRCh37 (hg19) VCF-style: chr1-156144720-G-A.
Other names: c.1423G>A, p.Ala475Thr (NM_001193300.2, NM_001193301.2, NM_001370567.1); c.1027G>A, p.Ala343Thr (NM_001193302.2); c.1126G>A, p.Ala376Thr (NM_001370568.1); c.916G>A, p.Ala306Thr (NM_001370569.1, NM_001370571.1); short protein forms A306T, A343T, A376T, A475T.
Identifiers: ClinVar variation 1061198 (VCV001061198.7), dbSNP rs2103008807, ClinGen allele CA342809141.

ClinVar aggregate classification (germline): Uncertain significance (1 of 4 stars; one submission).

Submission:

Labcorp Genetics (formerly Invitae), Labcorp
Classification: Uncertain significance. Last evaluated: 2022-05-27. Review status: criteria provided, single submitter. Criteria: Invitae Variant Classification Sherloc (09022015). Collection method: clinical testing. Allele origin: germline.
Comment: This variant has not been reported in the literature in individuals affected with SEMA4A-related conditions. This variant is not present in population databases (gnomAD no frequency). This sequence change replaces alanine, which is neutral and non-polar, with threonine, which is neutral and polar, at codon 475 of the SEMA4A protein (p.Ala475Thr). ClinVar contains an entry for this variant (Variation ID: 1061198). In summary, the available evidence is currently insufficient to determine the role of this variant in disease. Therefore, it has been classified as a Variant of Uncertain Significance. Algorithms developed to predict the effect of missense changes on protein structure and function are either unavailable or do not agree on the potential impact of this missense change (SIFT: "Tolerated"; PolyPhen-2: "Possibly Damaging"; Align-GVGD: "Class C0").